The following is an entry in ClinVar:

ClinVar aggregate classification (germline): Conflicting classifications of pathogenicity. Review status: criteria provided, conflicting classifications (1 of 4 stars). 2 submissions from 2 submitters: Likely pathogenic (1); Uncertain significance (1). Last evaluated 2026-06-19.

Conditions:
DSG2-related disorder. Also called: DSG2-related condition.
Arrhythmogenic right ventricular cardiomyopathy (ARVD). Also called: Cardiomyopathy, ARVC; Arrhythmogenic right ventricular dysplasia; Arrhythmogenic cardiomyopathy; Arrhythmogenic Right Ventricular Cardiomyopathy (ARVC). Identifiers: Orphanet 247, MedGen C0349788, MeSH D019571, MONDO:0016587. Disease mechanism: loss of function. Inheritance: Various modes of inheritance.

Submissions (2):

PreventionGenetics, part of Exact Sciences
Classification: Likely pathogenic for DSG2-related condition. Last evaluated: 2026-06-19. Review status: criteria provided, single submitter. Criteria: ACMG Guidelines, 2015. Collection method: clinical testing. Allele origin: germline.
Comment: The DSG2 c.863dupT variant is predicted to result in a frameshift and premature protein termination (p.Glu289Argfs*12). To our knowledge, this variant has not been reported in the literature or in a large population database (gnomAD), indicating this variant is rare. Frameshift variants in DSG2 are expected to be pathogenic. This variant is interpreted as likely pathogenic.

All of Us Research Program, National Institutes of Health
Classification: Uncertain significance for Arrhythmogenic right ventricular cardiomyopathy. Last evaluated: 2023-12-18. Review status: criteria provided, single submitter. Criteria: ACMG Guidelines, 2015. Collection method: clinical testing. Allele origin: germline. Inheritance: Autosomal dominant inheritance. Observed: 1 variant allele, 1 heterozygote.
Comment: This variant inserts 1 nucleotide in exon 8 of the DSG2 gene, creating a frameshift and premature translation stop signal. This variant is expected to result in an absent or non-functional protein product. To our knowledge, this variant has not been reported in individuals affected with cardiovascular disorders in the literature. This variant has not been identified in the general population by the Genome Aggregation Database (gnomAD). Although there is a suspicion for a pathogenic role, clinical relevance of loss-of-function DSG2 truncation variants in autosomal dominant arrhythmogenic right ventricular cardiomyopathy is not yet clearly established. The available evidence is insufficient to determine the role of this variant in autosomal dominant disease conclusively. Therefore, this variant is classified as a Variant of Uncertain Significance.

This study involves interpretation of variants in research participants for the purpose of population health screening. Participant phenotype was not available at the time of variant classification. Additional details can be found in publication PMID: 35346344, PMCID: PMC8962531

NM_001943.5(DSG2):c.863dup (p.Glu289fs)

Gene: DSG2 (desmoglein 2; plus strand). Cytogenetic location: 18q12.1.
Variant type: Duplication.
Coding change: c.863dup on transcript NM_001943.5 (MANE Select); coding-DNA position 863, one base duplicated (T; older notation c.863dupT).
Protein change: p.Glu289fs; shifts the reading frame from glutamic acid 289.
Molecular consequence: frameshift variant.
Genome position (GRCh38, 1-based): chr18:31,524,737, T duplicated. VCF-style (leftmost placement, unchanged base first): chr18-31524736-G-GT. GRCh37 (hg19) VCF-style: chr18-29104699-G-GT.
Other names: c.863dupT (NM_001943.4); short protein forms E289fs.
Identifiers: ClinVar variation 3075199 (VCV003075199.2), dbSNP rs2510912855, ClinGen allele CA2825002681.